The following is an entry in ClinVar:

ClinVar aggregate classification (germline): Uncertain significance (1 of 4 stars; one submission).

Conditions:
Multiple gastrointestinal atresias. Also called: FAMILIAL INTESTINAL POLYATRESIA SYNDROME; Multiple intestinal atresia. Identifiers: Orphanet 2300, MedGen C0220744, MONDO:0009465.

Allele frequency attached by ClinVar (database versions not stated): TOPMed 0.00002.
gnomAD v4.1: 40 of 1,550,728 alleles (0.0026%); highest among the groups gnomAD compares: Non-Finnish European, 0.0033%; no homozygotes.

Submission:

Labcorp Genetics (formerly Invitae), Labcorp
Classification: Uncertain significance for Multiple gastrointestinal atresias. Last evaluated: 2022-03-27. Review status: criteria provided, single submitter. Criteria: Invitae Variant Classification Sherloc (09022015). Collection method: clinical testing. Allele origin: germline.
Comment: ClinVar contains an entry for this variant (Variation ID: 657424). In summary, the available evidence is currently insufficient to determine the role of this variant in disease. Therefore, it has been classified as a Variant of Uncertain Significance. Algorithms developed to predict the effect of missense changes on protein structure and function output the following: SIFT: "Tolerated"; PolyPhen-2: "Benign"; Align-GVGD: "Class C0". The alanine amino acid residue is found in multiple mammalian species, which suggests that this missense change does not adversely affect protein function. This variant has not been reported in the literature in individuals affected with TTC7A-related conditions. This variant is present in population databases (no rsID available, gnomAD 0.002%). This sequence change replaces proline, which is neutral and non-polar, with alanine, which is neutral and non-polar, at codon 52 of the TTC7A protein (p.Pro52Ala).

NM_020458.4(TTC7A):c.154C>G (p.Pro52Ala)

Genes: MCFD2 (multiple coagulation factor deficiency 2, ER cargo receptor complex subunit; minus strand), TTC7A (tetratricopeptide repeat domain 7A; plus strand). Cytogenetic location: 2p21.
Variant type: single nucleotide variant.
Coding change: c.154C>G on transcript NM_020458.4 (MANE Select); coding-DNA position 154, C replaced by G.
Protein change: p.Pro52Ala; replaces proline 52 with alanine.
Molecular consequence: missense variant. On other transcripts: 5 prime UTR variant (3), intron variant (1).
Genome position (GRCh38, 1-based): chr2:46,941,695, C>G. VCF-style: chr2-46941695-C-G. GRCh37 (hg19) VCF-style: chr2-47168834-C-G.
Other names: c.154C>G, p.Pro52Ala (NM_001288951.2); c.-751C>G (NM_001288955.2); c.-130G>C (NM_001171508.2); c.-32G>C (NM_001171511.3); c.83-8668C>G (NM_001288953.2); short protein forms P52A.
Identifiers: ClinVar variation 657424 (VCV000657424.9), dbSNP rs906523542, ClinGen allele CA46613105.